The following is an entry in ClinVar:

NM_130810.4(DNAAF4):c.694C>T (p.Pro232Ser)

Genes: DNAAF4 (dynein axonemal assembly factor 4; minus strand), DNAAF4-CCPG1 (DNAAF4-CCPG1 readthrough (NMD candidate); minus strand). Cytogenetic location: 15q21.3.
Variant type: single nucleotide variant.
Coding change: c.694C>T on transcript NM_130810.4 (MANE Select); coding-DNA position 694, C replaced by T.
Protein change: p.Pro232Ser; replaces proline 232 with serine.
Molecular consequence: missense variant. On other transcripts: non-coding transcript variant (1).
Genome position (GRCh38, 1-based): chr15:55,450,311, G>A on the plus strand (C>T on the coding strand, the complement: DNAAF4 is on the minus strand). VCF-style: chr15-55450311-G-A. GRCh37 (hg19) VCF-style: chr15-55742509-G-A.
Other names: c.694C>T, p.Pro232Ser (NM_001033559.3, NM_001033560.2); short protein forms P232S.
Identifiers: ClinVar variation 2417953 (VCV002417953.6), dbSNP rs773988841, ClinGen allele CA7574979.
Genomic context (GRCh38, chr15:55,450,311, plus strand): 5'-GAAGAGCTGTTGGGAATACTCGAGGGGTAAAGTTGATTTTAATACTGCCAACAGAGCGAG[G>A]AGCAGGAATACTGTCTTCCTTTAACTTCTCAGTAAATATATTTTCTGAATTTCTCCCTTC-3'
Protein context (NP_570722.2, residues 222-242): EKLKEDSIPA[Pro232Ser]RSVGSIKINF

ClinVar aggregate classification (germline): Uncertain significance (1 of 4 stars; one submission).

Allele frequency attached by ClinVar (database versions not stated): gnomAD exomes below 0.00001; ExAC 0.00002.

Submission:

Labcorp Genetics (formerly Invitae), Labcorp
Classification: Uncertain significance. Last evaluated: 2022-06-22. Review status: criteria provided, single submitter. Criteria: Invitae Variant Classification Sherloc (09022015). Collection method: clinical testing. Allele origin: germline.
Comment: In summary, the available evidence is currently insufficient to determine the role of this variant in disease. Therefore, it has been classified as a Variant of Uncertain Significance. Algorithms developed to predict the effect of missense changes on protein structure and function are either unavailable or do not agree on the potential impact of this missense change (SIFT: "Tolerated"; PolyPhen-2: "Probably Damaging"; Align-GVGD: "Class C15"). This variant has not been reported in the literature in individuals affected with DNAAF4-related conditions. This variant is present in population databases (rs773988841, gnomAD 0.02%). This sequence change replaces proline, which is neutral and non-polar, with serine, which is neutral and polar, at codon 232 of the DNAAF4 protein (p.Pro232Ser).